The following is an entry in ClinVar:

ClinVar aggregate classification (germline): Conflicting classifications of pathogenicity. Review status: criteria provided, conflicting classifications (1 of 4 stars). 4 submissions from 4 submitters: Uncertain significance (3); Likely benign (1). Last evaluated 2026-02-09.

Conditions:
Retinitis pigmentosa 71 (RP71). Identifiers: Orphanet 791, MedGen C4225342, MONDO:0014618, OMIM 616394.
Short-rib thoracic dysplasia 10 with or without polydactyly (SRTD10). Identifiers: Orphanet 474, MedGen C3810175, MONDO:0014284, OMIM 615630.
IFT172-related disorder. Also called: IFT172-related condition; IFT172-related disorders.
Bardet-Biedl syndrome 20. Identifiers: MedGen C4310707, MONDO:0023670, OMIM 619471, MONDO:0014926.

Allele frequency attached by ClinVar (database versions not stated): gnomAD 0.00002; TOPMed 0.00003; gnomAD exomes 0.00004 and 0.00007; ExAC 0.00007.

Submissions (4):

PreventionGenetics, part of Exact Sciences
Classification: Uncertain significance for IFT172-related condition. Last evaluated: 2026-02-09. Review status: criteria provided, single submitter. Criteria: ACMG Guidelines, 2015. Collection method: clinical testing. Allele origin: germline.
Comment: The IFT172 c.721C>T variant is predicted to result in the amino acid substitution p.Arg241Trp. To our knowledge, this variant has not been reported in the literature. This variant is reported in 0.026% of alleles in individuals of Latino descent in gnomAD (gnomAD). At this time, the clinical significance of this variant is uncertain due to the absence of conclusive functional and genetic evidence.

Labcorp Genetics (formerly Invitae), Labcorp
Classification: Likely benign for Retinitis pigmentosa 71; Short-rib thoracic dysplasia 10 with or without polydactyly. Last evaluated: 2026-01-19. Review status: criteria provided, single submitter. Criteria: Invitae Variant Classification Sherloc (09022015). Collection method: clinical testing. Allele origin: germline.

GeneDx
Classification: Uncertain significance. Last evaluated: 2024-03-04. Review status: criteria provided, single submitter. Criteria: GeneDx Variant Classification Process June 2021. Collection method: clinical testing. Allele origin: germline. Affected: yes.
Comment: In silico analysis supports that this missense variant has a deleterious effect on protein structure/function; Has not been previously published as pathogenic or benign to our knowledge

Fulgent Genetics
Classification: Uncertain significance for Short-rib thoracic dysplasia 10 with or without polydactyly; Retinitis pigmentosa 71; Bardet-Biedl syndrome 20. Last evaluated: 2022-04-04. Review status: criteria provided, single submitter. Criteria: ACMG Guidelines, 2015. Collection method: clinical testing. Allele origin: unknown.

NM_015662.3(IFT172):c.721C>T (p.Arg241Trp)

Gene: IFT172 (intraflagellar transport 172; minus strand). Cytogenetic location: 2p23.3.
Variant type: single nucleotide variant.
Coding change: c.721C>T on transcript NM_015662.3 (MANE Select); coding-DNA position 721, C replaced by T.
Protein change: p.Arg241Trp; replaces arginine 241 with tryptophan.
Molecular consequence: missense variant.
Genome position (GRCh38, 1-based): chr2:27,481,110, G>A on the plus strand (C>T on the coding strand, the complement: IFT172 is on the minus strand). VCF-style: chr2-27481110-G-A. GRCh37 (hg19) VCF-style: chr2-27703977-G-A.
Other names: c.721C>T (NM_015662.2); short protein forms R241W.
Identifiers: ClinVar variation 1002100 (VCV001002100.9), dbSNP rs772012378, ClinGen allele CA1580889.